The following is an entry in ClinVar:

ClinVar aggregate classification (germline): Uncertain significance (1 of 4 stars; one submission).

Conditions:
Hereditary cancer-predisposing syndrome. Also called: Hereditary neoplastic syndrome; Neoplastic Syndromes, Hereditary; Tumor predisposition; Hereditary Cancer Syndrome. Identifiers: Orphanet 140162, MedGen C0027672, MeSH D009386, MONDO:0015356.

Submission:

Ambry Genetics
Classification: Uncertain significance for Hereditary cancer-predisposing syndrome. Last evaluated: 2025-08-27. Review status: criteria provided, single submitter. Criteria: Ambry Variant Classification Scheme 2023. Collection method: clinical testing. Allele origin: germline.
Comment: The p.D110A variant (also known as c.329A>C), located in coding exon 3 of the MUTYH gene, results from an A to C substitution at nucleotide position 329. The aspartic acid at codon 110 is replaced by alanine, an amino acid with dissimilar properties. This amino acid position is conserved. In addition, this alteration is predicted to be deleterious by in silico analysis. Based on the available evidence, the clinical significance of this variant remains unclear.

NM_001048174.2(MUTYH):c.245A>C (p.Asp82Ala)

Gene: MUTYH (mutY DNA glycosylase; minus strand). Cytogenetic location: 1p34.1.
Variant type: single nucleotide variant.
Coding change: c.245A>C on transcript NM_001048174.2 (MANE Select); coding-DNA position 245, A replaced by C.
Protein change: p.Asp82Ala; replaces aspartic acid 82 with alanine.
Molecular consequence: missense variant. On other transcripts: 5 prime UTR variant (6), non-coding transcript variant (7).
Genome position (GRCh38, 1-based): chr1:45,333,432, T>G on the plus strand (A>C on the coding strand, the complement: MUTYH is on the minus strand). VCF-style: chr1-45333432-T-G. GRCh37 (hg19) VCF-style: chr1-45799104-T-G.
Other names: c.245A>C, p.Asp82Ala (NM_001048171.2, NM_001048173.2, NM_001293195.2 and 6 more transcripts); c.248A>C, p.Asp83Ala (NM_001048172.2, NM_001407071.1, NM_001407078.1 and 2 more transcripts); c.329A>C, p.Asp110Ala (NM_001128425.2); c.290A>C, p.Asp97Ala (NM_001293190.2); c.278A>C, p.Asp93Ala (NM_001293191.2, NM_001407077.1); c.-32A>C (NM_001293192.2, NM_001293196.2, NM_001407091.1); c.-27A>C (NM_001350650.2, NM_001350651.2, NM_001407082.1); c.320A>C, p.Asp107Ala (NM_001407069.1, NM_012222.3); and 3 more; short protein forms D96A, D110A, D83A, D93A, D107A, D54A, D82A, D97A.
Identifiers: ClinVar variation 4113605 (VCV004113605.1).